The following is an entry in ClinVar:

ClinVar aggregate classification (germline): Uncertain significance (1 of 4 stars; one submission).

Conditions:
Cardiovascular phenotype. Identifiers: MedGen CN230736.

Allele frequency attached by ClinVar (database versions not stated): gnomAD exomes below 0.00001.
gnomAD v4.1: 1 of 1,249,418 alleles (0.00008%); highest among the groups gnomAD compares: Non-Finnish European, 0.0001%; no homozygotes.

Submission:

Ambry Genetics
Classification: Uncertain significance for Cardiovascular phenotype. Last evaluated: 2021-11-19. Review status: criteria provided, single submitter. Criteria: Ambry Variant Classification Scheme 2023. Collection method: clinical testing. Allele origin: germline.
Comment: The p.A63G variant (also known as c.188C>G), located in coding exon 1 of the GATAD1 gene, results from a C to G substitution at nucleotide position 188. The alanine at codon 63 is replaced by glycine, an amino acid with similar properties. This amino acid position is conserved. In addition, this alteration is predicted to be tolerated by in silico analysis. Since supporting evidence is limited at this time, the clinical significance of this alteration remains unclear.

NM_021167.5(GATAD1):c.188C>G (p.Ala63Gly)

Genes: GATAD1 (GATA zinc finger domain containing 1; plus strand), LOC129998793 (ATAC-STARR-seq lymphoblastoid silent region 18371; plus strand). Cytogenetic location: 7q21.2.
Variant type: single nucleotide variant.
Coding change: c.188C>G on transcript NM_021167.5 (MANE Select); coding-DNA position 188, C replaced by G.
Protein change: p.Ala63Gly; replaces alanine 63 with glycine.
Molecular consequence: missense variant. On other transcripts: non-coding transcript variant (1).
Genome position (GRCh38, 1-based): chr7:92,447,917, C>G. VCF-style: chr7-92447917-C-G. GRCh37 (hg19) VCF-style: chr7-92077231-C-G.
Other names: short protein forms A63G.
Identifiers: ClinVar variation 1782037 (VCV001782037.2), dbSNP rs2484515865, ClinGen allele CA368155596.